The following is an entry in ClinVar:

ClinVar aggregate classification (germline): Uncertain significance (1 of 4 stars; one submission).

gnomAD v4.1: 5 of 1,397,174 alleles (0.00036%); highest among the groups gnomAD compares: Non-Finnish European, 0.00047%; no homozygotes.

Submission:

CeGaT Center for Human Genetics Tuebingen
Classification: Uncertain significance. Last evaluated: 2025-02-01. Review status: criteria provided, single submitter. Criteria: CeGaT Center For Human Genetics Tuebingen Variant Classification Criteria Version 2. Collection method: clinical testing. Allele origin: germline. Affected: yes. Observed: 1 variant allele.
Comment: CAPN10: PP3

NM_023083.4(CAPN10):c.141+2T>A

Genes: CAPN10 (calpain 10; plus strand), LOC112840920 (Sharpr-MPRA regulatory region 5965; plus strand). Cytogenetic location: 2q37.3.
Variant type: single nucleotide variant.
Coding change: c.141+2T>A on transcript NM_023083.4 (MANE Select); the canonical splice donor site of the intron after coding-DNA position 141, T replaced by A.
Molecular consequence: splice donor variant.
Genome position (GRCh38, 1-based): chr2:240,587,054, T>A. VCF-style: chr2-240587054-T-A. GRCh37 (hg19) VCF-style: chr2-241526471-T-A.
Other names: c.141+2T>A (NM_023085.4).
Identifiers: ClinVar variation 3771486 (VCV003771486.13).
Genomic context (GRCh38, chr2:240,587,054, plus strand): 5'-GCGACTTGTCTACGCCGCTGGCCCAGTTCCGCGAGGACATCACGTGGAGGCGGCCCCAGG[T>A]GGGGCCGTGTGGGGTGCGGTGGGCGCCGTTTCTGGTTTCTGAGATCTCCGCTCCTCGCAG-3'